The following is an entry in ClinVar:

NM_004736.4(XPR1):c.365G>T (p.Arg122Leu)

Gene: XPR1 (xenotropic and polytropic retrovirus receptor 1; plus strand). Cytogenetic location: 1q25.3.
Variant type: single nucleotide variant.
Coding change: c.365G>T on transcript NM_004736.4 (MANE Select); coding-DNA position 365, G replaced by T.
Protein change: p.Arg122Leu; replaces arginine 122 with leucine.
Molecular consequence: missense variant. On other transcripts: non-coding transcript variant (1).
Genome position (GRCh38, 1-based): chr1:180,803,529, G>T. VCF-style: chr1-180803529-G-T. GRCh37 (hg19) VCF-style: chr1-180772665-G-T.
Other names: c.365G>T, p.Arg122Leu (NM_001135669.2, NM_001328662.2); short protein forms R122L.
Identifiers: ClinVar variation 4527787 (VCV004527787.1).
Genomic context (GRCh38, chr1:180,803,529, plus strand): 5'-CTGGTGTTACTACGCTGCGACAACGCAGAAAGCCAGTCTTCCACTTGTCCCATGAGGAAC[G>T]TGTCCAACATAGAAATATTAAAGACCTTAAACTGGCCTTCAGTGAGTTCTACCTCAGTCT-3'
Protein context (NP_004727.2, residues 112-132): KPVFHLSHEE[Arg122Leu]VQHRNIKDLK

ClinVar aggregate classification (germline): Uncertain significance (1 of 4 stars; one submission).

Submission:

GeneDx
Classification: Uncertain significance. Last evaluated: 2025-04-29. Review status: criteria provided, single submitter. Criteria: GeneDx Variant Classification Process June 2021. Collection method: clinical testing. Allele origin: germline. Affected: yes.
Comment: Not observed at significant frequency in large population cohorts (gnomAD); In silico analysis indicates that this missense variant does not alter protein structure/function; Has not been previously published as pathogenic or benign to our knowledge